The following is an entry in ClinVar:

NC_000015.9:g.(?_33004838)_(33004937_?)dup

Gene: GREM1 (gremlin 1, DAN family BMP antagonist; plus strand). Cytogenetic location: 15q13.3.
Variant type: Duplication.
Identifiers: ClinVar variation 2425855 (VCV002425855.3).

ClinVar aggregate classification (germline): Uncertain significance (1 of 4 stars; one submission).

Conditions:
Familial colorectal cancer. Identifiers: MedGen CN280943, MONDO:0023113. Disease mechanism: loss of function.

Submission:

Labcorp Genetics (formerly Invitae), Labcorp
Classification: Uncertain significance for Familial colorectal cancer. Last evaluated: 2022-04-07. Review status: criteria provided, single submitter. Criteria: Invitae Variant Classification Sherloc (09022015). Collection method: clinical testing. Allele origin: germline.
Comment: This variant is a copy number gain that occurs in a non-coding region of the GREM1 gene. It does not change the encoded amino acid sequence of the GREM1 protein. Two different tandem duplications (40 kb and 16 kb) spanning the 3' end of the SCG5 gene and the region upstream of the GREM1 gene have been reported in families with hereditary mixed polyposis syndrome (PMID: 22561515, 25992589, 26493165). However, the gain identified in this individual is different from those variants, and therefore the impact of the additional duplicated sequences on GREM1 expression and function has not been established. In summary, the available evidence is currently insufficient to determine the role of this variant in disease. Therefore, it has been classified as a Variant of Uncertain Significance.

Literature cited by the submitters: PubMed 22561515; PubMed 25992589; PubMed 26493165.